The following is an entry in ClinVar:

ClinVar aggregate classification (germline): Uncertain significance (1 of 4 stars; one submission).

gnomAD v4.1: 2 of 1,613,964 alleles (0.00012%); highest among the groups gnomAD compares: Non-Finnish European, 0.00017%; no homozygotes.

Submission:

Ambry Genetics
Classification: Uncertain significance. Last evaluated: 2024-11-06. Review status: criteria provided, single submitter. Criteria: Ambry Variant Classification Scheme 2023. Collection method: clinical testing. Allele origin: germline.
Comment: The p.A566G variant (also known as c.1697C>G), located in coding exon 12 of the RINT1 gene, results from a C to G substitution at nucleotide position 1697. The alanine at codon 566 is replaced by glycine, an amino acid with similar properties. This amino acid position is conserved. In addition, this alteration is predicted to be tolerated by in silico analysis. Based on the available evidence, the clinical significance of this variant remains unclear.

NM_021930.6(RINT1):c.1697C>G (p.Ala566Gly)

Gene: RINT1 (RAD50 interactor 1; plus strand). Cytogenetic location: 7q22.3.
Variant type: single nucleotide variant.
Coding change: c.1697C>G on transcript NM_021930.6 (MANE Select); coding-DNA position 1697, C replaced by G.
Protein change: p.Ala566Gly; replaces alanine 566 with glycine.
Molecular consequence: missense variant. On other transcripts: non-coding transcript variant (1).
Genome position (GRCh38, 1-based): chr7:105,563,758, C>G. VCF-style: chr7-105563758-C-G. GRCh37 (hg19) VCF-style: chr7-105204205-C-G.
Other names: c.1463C>G, p.Ala488Gly (NM_001346599.2); c.674C>G, p.Ala225Gly (NM_001346600.2, NM_001346603.2); c.773C>G, p.Ala258Gly (NM_001346601.2); short protein forms A225G, A258G, A566G, A488G.
Identifiers: ClinVar variation 3433647 (VCV003433647.1).
Genomic context (GRCh38, chr7:105,563,758, plus strand): 5'-AGTATGCTAATGTGTTAACATGTTTTTGCTTTCAGTTCTTTCTACAACTTCAACAGGCTG[C>G]ACTGGAGGTGTTTGCAGAGAATAATACTCTGAGTAAATTGCAGCTAGGACAGCTAGCCTC-3'
Protein context (NP_068749.3, residues 556-576): NVFFLQLQQA[Ala566Gly]LEVFAENNTL